The following is an entry in ClinVar:

NM_000092.5(COL4A4):c.*2239T>C

Gene: COL4A4 (collagen type IV alpha 4 chain; minus strand). Cytogenetic location: 2q36.3.
Variant type: single nucleotide variant.
Coding change: c.*2239T>C on transcript NM_000092.5 (MANE Select); 2239 bases downstream of the stop codon, T replaced by C.
Molecular consequence: 3 prime UTR variant.
Genome position (GRCh38, 1-based): chr2:227,005,086, A>G on the plus strand (T>C on the coding strand, the complement: COL4A4 is on the minus strand). VCF-style: chr2-227005086-A-G. GRCh37 (hg19) VCF-style: chr2-227869802-A-G.
Identifiers: ClinVar variation 897328 (VCV000897328.4), dbSNP rs79443960, ClinGen allele CA67237985.

ClinVar aggregate classification (germline): Likely benign (1 of 4 stars; one submission).

Conditions:
Alport syndrome. Also called: Hemorrhagic familial nephritis; Hemorrhagic hereditary nephritis; Congenital hereditary hematuria. Identifiers: Orphanet 63, MedGen C1567741, MONDO:0018965.

Allele frequency attached by ClinVar (database versions not stated): TOPMed 0.00708; gnomAD 0.00606 and 0.00664; 1000 Genomes Project 0.00619; 1000 Genomes Project 30x 0.00687.

Submission:

Illumina Laboratory Services, Illumina
Classification: Likely benign for Alport syndrome. Last evaluated: 2018-01-13. Review status: criteria provided, single submitter. Criteria: ICSL Variant Classification Criteria 13 December 2019. Collection method: clinical testing. Allele origin: germline.
Comment: This variant was observed in the ICSL laboratory as part of a predisposition screen in an ostensibly healthy population. It had not been previously curated by ICSL or reported in the Human Gene Mutation Database (HGMD: prior to June 1st, 2018), and was therefore a candidate for classification through an automated scoring system. Utilizing variant allele frequency, disease prevalence and penetrance estimates, and inheritance mode, an automated score was calculated to assess if this variant is too frequent to cause the disease. Based on the score and internal cut-off values, a variant classified as likely benign is not then subjected to further curation. The score for this variant resulted in a classification of likely benign for this disease.